The following is an entry in ClinVar:

NM_001148.6(ANK2):c.4883A>G (p.Lys1628Arg)

Gene: ANK2 (ankyrin 2; plus strand). Cytogenetic location: 4q26.
Variant type: single nucleotide variant.
Coding change: c.4883A>G on transcript NM_001148.6 (MANE Select); coding-DNA position 4883, A replaced by G.
Protein change: p.Lys1628Arg; replaces lysine 1628 with arginine.
Molecular consequence: missense variant. On other transcripts: intron variant (68).
Genome position (GRCh38, 1-based): chr4:113,353,501, A>G. VCF-style: chr4-113353501-A-G. GRCh37 (hg19) VCF-style: chr4-114274657-A-G.
Other names: c.4649A>G, p.Lys1550Arg (NM_001386142.1); c.1283A>G, p.Lys428Arg (NM_001386166.1); c.5024A>G, p.Lys1675Arg (NM_001386174.1); c.5000A>G, p.Lys1667Arg (NM_001386175.1); c.4411+3252A>G (NM_001386186.2, NM_001386148.2); c.4213+3252A>G (NM_001354269.3); c.4291+3252A>G (NM_001386187.2); c.4252+3252A>G (NM_001386147.1); and 35 more; short protein forms K1628R, K1550R, K1667R, K1675R, K428R.
Identifiers: ClinVar variation 263741 (VCV000263741.3), dbSNP rs886038910, ClinGen allele CA10587581.

ClinVar aggregate classification (germline): Uncertain significance (1 of 4 stars; one submission).

Conditions:
Cardiovascular phenotype. Identifiers: MedGen CN230736.

Allele frequency attached by ClinVar (database versions not stated): gnomAD 0.00003.

Submission:

Ambry Genetics
Classification: Uncertain significance for Cardiovascular phenotype. Last evaluated: 2013-10-30. Review status: criteria provided, single submitter. Criteria: Ambry Autosomal Dominant and X-Linked criteria (10/2015). Collection method: clinical testing. Allele origin: germline. Observed: 1 variant allele.
Comment: The p.K1628R variant (also known as c.4883A>G) is located in coding exon 38 of the ANK2gene. This alteration results from an A to G substitution at nucleotide position 4883. The lysine at codon 1628 is replaced by arginine, an amino acid with highly similar properties. No population frequency information could be found in the 1000 Genomes Project, ESP or dbSNP. This variant was not reported in population-based cohorts in the following databases: Database of Single Nucleotide Polymorphisms (dbSNP), the 1000 Genomes Project and the NHLBI Exome Sequencing Project (ESP). In the ESP, this variant was not observed in 6503 samples (13006 alleles) with coverage at this position. Based on protein sequence alignment, this amino acid position is poorly conserved in available vertebrate species. In addition, this alteration is predicted to be benign and tolerated by PolyPhen and SIFT in silico analyses, respectively. Since supporting evidence is limited at this time, the clinical significance of this variant remains unclear.